The following is an entry in ClinVar:

NM_014000.3(VCL):c.2949+1del

Gene: VCL (vinculin; plus strand). Cytogenetic location: 10q22.2.
Variant type: Deletion.
Coding change: c.2949+1del on transcript NM_014000.3 (MANE Select); the canonical splice donor site of the intron after coding-DNA position 2949, one base deleted (G; older notation c.2949+1delG).
Molecular consequence: splice donor variant. On other transcripts: intron variant (1).
Genome position (GRCh38, 1-based): chr10:74,112,113, G deleted; the last of 2 consecutive G bases (chr10:74,112,112-74,112,113); deleting either gives the same sequence. VCF-style (leftmost placement, unchanged base first): chr10-74112111-AG-A. GRCh37 (hg19) VCF-style: chr10-75871869-AG-A.
Other names: c.2746-2071del (NM_003373.4).
Identifiers: ClinVar variation 1120136 (VCV001120136.4), dbSNP rs2131937426, ClinGen allele CA2499220378.

ClinVar aggregate classification (germline): Uncertain significance (1 of 4 stars; one submission).

Submission:

Laboratory for Molecular Medicine, Mass General Brigham Personalized Medicine
Classification: Uncertain significance. Last evaluated: 2020-12-03. Review status: criteria provided, single submitter. Criteria: LMM Criteria. Collection method: clinical testing. Allele origin: germline. Observed: 1 variant allele.
Comment: Variant classified as Uncertain Significance - Favor Pathogenic. It has also been reported by other clinical laboratories in ClinVar (Variation ID 946031) and is absent from large population studies. This variant occurs within the canonical splice site (+/- 1,2) and is predicted to cause altered splicing. Computational tools suggest that an alternate splice site upstream could be used, leading to an abnormal or absent protein, but this has not been confirmed by functional studies. Additionally, while loss of function (LOF) variants in VCL are enriched in DCM cases, family studies suggest that they are insufficient to cause disease but contribute to the disease risk (Hawley 2020 PMID: 32516855). In summary, while there is some suspicion for a pathogenic role, the clinical significance of this variant is uncertain. ACMG/AMP Criteria applied: PM2_supporting.